The following is an entry in ClinVar:

ClinVar aggregate classification (germline): Uncertain significance (1 of 4 stars; one submission).

Allele frequency attached by ClinVar (database versions not stated): ExAC 0.00001.

Submission:

Labcorp Genetics (formerly Invitae), Labcorp
Classification: Uncertain significance. Last evaluated: 2023-09-04. Review status: criteria provided, single submitter. Criteria: Invitae Variant Classification Sherloc (09022015). Collection method: clinical testing. Allele origin: germline.
Comment: Advanced modeling of protein sequence and biophysical properties (such as structural, functional, and spatial information, amino acid conservation, physicochemical variation, residue mobility, and thermodynamic stability) performed at Invitae indicates that this missense variant is not expected to disrupt SRCAP protein function. This variant has not been reported in the literature in individuals affected with SRCAP-related conditions. This variant is present in population databases (rs776464126, gnomAD 0.0009%). This sequence change replaces proline, which is neutral and non-polar, with leucine, which is neutral and non-polar, at codon 2497 of the SRCAP protein (p.Pro2497Leu). In summary, the available evidence is currently insufficient to determine the role of this variant in disease. Therefore, it has been classified as a Variant of Uncertain Significance.

NM_006662.3(SRCAP):c.7490C>T (p.Pro2497Leu)

Gene: SRCAP (Snf2 related CREBBP activator protein; plus strand). Cytogenetic location: 16p11.2.
Variant type: single nucleotide variant.
Coding change: c.7490C>T on transcript NM_006662.3 (MANE Select); coding-DNA position 7490, C replaced by T.
Protein change: p.Pro2497Leu; replaces proline 2497 with leucine.
Molecular consequence: missense variant.
Genome position (GRCh38, 1-based): chr16:30,737,530, C>T. VCF-style: chr16-30737530-C-T. GRCh37 (hg19) VCF-style: chr16-30748851-C-T.
Other names: short protein forms P2497L.
Identifiers: ClinVar variation 2755208 (VCV002755208.3), dbSNP rs776464126, ClinGen allele CA8012493.
Genomic context (GRCh38, chr16:30,737,530, plus strand): 5'-TCCCTGTCCATATCTTGCCTTCTCCTCCCCCTCCTTCACAGATTCCTCCTTGTTCTTCTC[C>T]TGCCTGCACCCCTCCTCCTGCCTGTACCCCTCCACCAGCTCATACACCGCCTCCAGCCCA-3'
Protein context (NP_006653.2, residues 2487-2507): PPSQIPPCSS[Pro2497Leu]ACTPPPACTP